The following is an entry in ClinVar:

NM_000081.4(LYST):c.4793C>T (p.Thr1598Ile)

Gene: LYST (lysosomal trafficking regulator; minus strand). Cytogenetic location: 1q42.3.
Variant type: single nucleotide variant.
Coding change: c.4793C>T on transcript NM_000081.4 (MANE Select); coding-DNA position 4793, C replaced by T.
Protein change: p.Thr1598Ile; replaces threonine 1598 with isoleucine.
Molecular consequence: missense variant.
Genome position (GRCh38, 1-based): chr1:235,787,269, G>A on the plus strand (C>T on the coding strand, the complement: LYST is on the minus strand). VCF-style: chr1-235787269-G-A. GRCh37 (hg19) VCF-style: chr1-235950569-G-A.
Other names: c.4793C>T, p.Thr1598Ile (NM_001301365.1); short protein forms T1598I.
Identifiers: ClinVar variation 2106986 (VCV002106986.4), dbSNP rs377396577, ClinGen allele CA344957460.

ClinVar aggregate classification (germline): Uncertain significance (1 of 4 stars; one submission).

Conditions:
Chédiak-Higashi syndrome (CHS). Also called: Chediak-Higashi Syndrome. Identifiers: Orphanet 167, MedGen C0007965, MONDO:0008963, OMIM 214500.

gnomAD v4.1: 1 of 1,613,548 alleles (0.000062%); highest among the groups gnomAD compares: Non-Finnish European, 0.000085%; no homozygotes.

Submission:

Labcorp Genetics (formerly Invitae), Labcorp
Classification: Uncertain significance for Chédiak-Higashi syndrome. Last evaluated: 2022-06-01. Review status: criteria provided, single submitter. Criteria: Invitae Variant Classification Sherloc (09022015). Collection method: clinical testing. Allele origin: germline.
Comment: In summary, the available evidence is currently insufficient to determine the role of this variant in disease. Therefore, it has been classified as a Variant of Uncertain Significance. This sequence change replaces threonine, which is neutral and polar, with isoleucine, which is neutral and non-polar, at codon 1598 of the LYST protein (p.Thr1598Ile). This variant is not present in population databases (gnomAD no frequency). This variant has not been reported in the literature in individuals affected with LYST-related conditions. Algorithms developed to predict the effect of missense changes on protein structure and function are either unavailable or do not agree on the potential impact of this missense change (SIFT: "Tolerated"; PolyPhen-2: "Possibly Damaging"; Align-GVGD: "Class C15").